The following is an entry in ClinVar:

NM_000093.5(COL5A1):c.2426A>G (p.Glu809Gly)

Gene: COL5A1 (collagen type V alpha 1 chain; plus strand). Cytogenetic location: 9q34.3.
Variant type: single nucleotide variant.
Coding change: c.2426A>G on transcript NM_000093.5 (MANE Select); coding-DNA position 2426, A replaced by G.
Protein change: p.Glu809Gly; replaces glutamic acid 809 with glycine.
Molecular consequence: missense variant.
Genome position (GRCh38, 1-based): chr9:134,780,142, A>G. VCF-style: chr9-134780142-A-G. GRCh37 (hg19) VCF-style: chr9-137671988-A-G.
Other names: c.2426A>G, p.Glu809Gly (NM_001278074.1); short protein forms E809G.
Identifiers: ClinVar variation 2734993 (VCV002734993.3), dbSNP rs2490706072, ClinGen allele CA375453401.

ClinVar aggregate classification (germline): Uncertain significance (1 of 4 stars; one submission).

Conditions:
Ehlers-Danlos syndrome, classic type, 1 (EDSCL1). Also called: EHLERS-DANLOS SYNDROME, GRAVIS TYPE; EHLERS-DANLOS SYNDROME, SEVERE CLASSIC TYPE; Ehlers-Danlos syndrome, type 1; Ehlers-Danlos Syndrome, Classic Type, COL5A1-Related; EDS I. Identifiers: MedGen C0268335, MONDO:0019567, OMIM 130000.

Allele frequency attached by ClinVar (database versions not stated): gnomAD exomes below 0.00001.
gnomAD v4.1: 2 of 1,613,318 alleles (0.00012%); highest among the groups gnomAD compares: Non-Finnish European, 0.00017%; no homozygotes.

Submission:

Labcorp Genetics (formerly Invitae), Labcorp
Classification: Uncertain significance for Ehlers-Danlos syndrome, classic type, 1. Last evaluated: 2023-07-17. Review status: criteria provided, single submitter. Criteria: Invitae Variant Classification Sherloc (09022015). Collection method: clinical testing. Allele origin: germline.
Comment: In summary, the available evidence is currently insufficient to determine the role of this variant in disease. Therefore, it has been classified as a Variant of Uncertain Significance. Advanced modeling of protein sequence and biophysical properties (such as structural, functional, and spatial information, amino acid conservation, physicochemical variation, residue mobility, and thermodynamic stability) has been performed at Invitae for this missense variant, however the output from this modeling did not meet the statistical confidence thresholds required to predict the impact of this variant on COL5A1 protein function. This variant has not been reported in the literature in individuals affected with COL5A1-related conditions. This variant is not present in population databases (gnomAD no frequency). This sequence change replaces glutamic acid, which is acidic and polar, with glycine, which is neutral and non-polar, at codon 809 of the COL5A1 protein (p.Glu809Gly).